The following is an entry in ClinVar:

NM_005633.4(SOS1):c.1941-44C>T

Gene: SOS1 (SOS Ras/Rac guanine nucleotide exchange factor 1; minus strand). Cytogenetic location: 2p22.1.
Variant type: single nucleotide variant.
Coding change: c.1941-44C>T on transcript NM_005633.4 (MANE Select); 44 bases into the intron before coding-DNA position 1941, C replaced by T.
Molecular consequence: intron variant.
Genome position (GRCh38, 1-based): chr2:39,014,033, G>A on the plus strand (C>T on the coding strand, the complement: SOS1 is on the minus strand). VCF-style: chr2-39014033-G-A. GRCh37 (hg19) VCF-style: chr2-39241174-G-A.
Other names: c.1920-44C>T (NM_001382394.1); c.1941-44C>T (NM_001382395.1).
Identifiers: ClinVar variation 561361 (VCV000561361.2), dbSNP rs73930394, ClinGen allele CA1624506.

ClinVar aggregate classification (germline): Benign. Review status: criteria provided, multiple submitters, no conflicts (2 of 4 stars). 2 submissions from 2 submitters: Benign (2). Last evaluated 2018-06-14.

Allele frequency attached by ClinVar (database versions not stated): gnomAD exomes 0.00455; ExAC 0.00582; gnomAD 0.01863 and 0.02008; ESP Exome Variant Server 0.01928; TOPMed 0.02125; 1000 Genomes Project 0.02137; 1000 Genomes Project 30x 0.02233.
gnomAD v4.1: 5,366 of 1,457,744 alleles (0.37%); highest among the groups gnomAD compares: African/African-American, 6.4%; 180 homozygotes.

Submissions (2):

GeneDx
Classification: Benign. Last evaluated: 2018-06-14. Review status: criteria provided, single submitter. Criteria: GeneDx Variant Classification (06012015). Collection method: clinical testing. Allele origin: germline. Affected: yes.
Comment: This variant is considered likely benign or benign based on one or more of the following criteria: it is a conservative change, it occurs at a poorly conserved position in the protein, it is predicted to be benign by multiple in silico algorithms, and/or has population frequency not consistent with disease.

Breakthrough Genomics
Classification: Benign. Review status: criteria provided, single submitter. Criteria: ACMG Guidelines, 2015. Collection method: not provided. Allele origin: germline. Inheritance: Autosomal dominant inheritance. Affected: yes.